The following is an entry in ClinVar:

ClinVar aggregate classification (germline): Uncertain significance (1 of 4 stars; one submission).

Conditions:
ARID2-related disorder. Also called: ARID2-related condition.

gnomAD v4.1: 3 of 1,614,024 alleles (0.00019%); no homozygotes.

Submission:

PreventionGenetics, part of Exact Sciences
Classification: Uncertain significance for ARID2-related condition. Last evaluated: 2025-01-07. Review status: criteria provided, single submitter. Criteria: ACMG Guidelines, 2015. Collection method: clinical testing. Allele origin: germline.
Comment: The ARID2 c.5030G>A variant is predicted to result in the amino acid substitution p.Arg1677Gln. To our knowledge, this variant has not been reported in the literature or in a large population database (gnomAD), indicating this variant is rare. Although we suspect that this variant may be pathogenic, at this time, the clinical significance of this variant is uncertain due to the absence of conclusive functional and genetic evidence.

NM_152641.4(ARID2):c.5030G>A (p.Arg1677Gln)

Gene: ARID2 (AT-rich interaction domain 2; plus strand). Cytogenetic location: 12q12.
Variant type: single nucleotide variant.
Coding change: c.5030G>A on transcript NM_152641.4 (MANE Select); coding-DNA position 5030, G replaced by A.
Protein change: p.Arg1677Gln; replaces arginine 1677 with glutamine.
Molecular consequence: missense variant.
Genome position (GRCh38, 1-based): chr12:45,891,887, G>A. VCF-style: chr12-45891887-G-A. GRCh37 (hg19) VCF-style: chr12-46285670-G-A.
Other names: c.5030G>A, p.Arg1677Gln (NM_001347839.2); short protein forms R1677Q.
Identifiers: ClinVar variation 4998621 (VCV004998621.1).